The following is an entry in ClinVar:

ClinVar aggregate classification (germline): Uncertain significance (1 of 4 stars; one submission).

Conditions:
Long QT syndrome (LQTS). Identifiers: MedGen C0023976, MeSH D008133, MONDO:0002442. Disease mechanism: loss of function. Inheritance: Various modes of inheritance.

Submission:

Labcorp Genetics (formerly Invitae), Labcorp
Classification: Uncertain significance for Long QT syndrome. Last evaluated: 2025-03-09. Review status: criteria provided, single submitter. Criteria: Invitae Variant Classification Sherloc (09022015). Collection method: clinical testing. Allele origin: germline.
Comment: This sequence change replaces threonine, which is neutral and polar, with isoleucine, which is neutral and non-polar, at codon 72 of the CACNA1C protein (p.Thr72Ile). This variant is not present in population databases (gnomAD no frequency). This variant has not been reported in the literature in individuals affected with CACNA1C-related conditions. ClinVar contains an entry for this variant (Variation ID: 2905906). Invitae Evidence Modeling of protein sequence and biophysical properties (such as structural, functional, and spatial information, amino acid conservation, physicochemical variation, residue mobility, and thermodynamic stability) indicates that this missense variant is not expected to disrupt CACNA1C protein function with a negative predictive value of 95%. In summary, the available evidence is currently insufficient to determine the role of this variant in disease. Therefore, it has been classified as a Variant of Uncertain Significance.

NM_000719.7(CACNA1C):c.215C>T (p.Thr72Ile)

Gene: CACNA1C (calcium voltage-gated channel subunit alpha1 C; plus strand). Cytogenetic location: 12p13.33.
Variant type: single nucleotide variant.
Coding change: c.215C>T on transcript NM_000719.7 (MANE Select); coding-DNA position 215, C replaced by T.
Protein change: p.Thr72Ile; replaces threonine 72 with isoleucine.
Molecular consequence: missense variant.
Genome position (GRCh38, 1-based): chr12:2,115,389, C>T. VCF-style: chr12-2115389-C-T. GRCh37 (hg19) VCF-style: chr12-2224555-C-T.
Other names: c.215C>T, p.Thr72Ile (NM_001129827.2, NM_001129829.2, NM_001129830.3 and 19 more transcripts); short protein forms T72I.
Identifiers: ClinVar variation 2905906 (VCV002905906.3), dbSNP rs2547567489, ClinGen allele CA383653171.